The following is an entry in ClinVar:

ClinVar aggregate classification (germline): Pathogenic (1 of 4 stars; one submission).

Conditions:
CRB2-related disorder. Also called: CRB2-related disorders; CRB2-related condition.

Submission:

PreventionGenetics, part of Exact Sciences
Classification: Pathogenic for CRB2-related condition. Last evaluated: 2024-11-22. Review status: criteria provided, single submitter. Criteria: ACMG Guidelines, 2015. Collection method: clinical testing. Allele origin: germline.
Comment: The CRB2 c.3008_3009dupGC variant is predicted to result in a frameshift and premature protein termination (p.Ile1004Alafs*138). To our knowledge, this variant has not been reported in the literature or in a large population database (gnomAD), indicating this variant is rare. Frameshift variants in CRB2 are expected to be pathogenic. This variant is interpreted as pathogenic.

NM_173689.7(CRB2):c.3008_3009dup (p.Ile1004fs)

Gene: CRB2 (crumbs cell polarity complex component 2; plus strand). Cytogenetic location: 9q33.3.
Variant type: Microsatellite.
Coding change: c.3008_3009dup on transcript NM_173689.7 (MANE Select); coding-DNA positions 3008 to 3009, 2 bases duplicated (GC; older notation c.3008_3009dupGC).
Protein change: p.Ile1004fs; shifts the reading frame from isoleucine 1004.
Molecular consequence: frameshift variant. On other transcripts: non-coding transcript variant (1).
Genome position (GRCh38, 1-based): chr9:123,373,539-123,373,540, GC duplicated; duplicating any 2 consecutive bases within chr9:123,373,537-123,373,540 gives the same sequence; the c. name uses the placement nearest the transcript's 3' end. VCF-style (leftmost placement, unchanged base first): chr9-123373536-T-TGC. GRCh37 (hg19) VCF-style: chr9-126135815-T-TGC.
Other names: short protein forms I1004fs.
Identifiers: ClinVar variation 5001807 (VCV005001807.1).